The following is an entry in ClinVar:

NM_001144967.3(NEDD4L):c.1691C>G (p.Thr564Arg)

Gene: NEDD4L (NEDD4 like E3 ubiquitin protein ligase; plus strand). Cytogenetic location: 18q21.31.
Variant type: single nucleotide variant.
Coding change: c.1691C>G on transcript NM_001144967.3 (MANE Select); coding-DNA position 1691, C replaced by G.
Protein change: p.Thr564Arg; replaces threonine 564 with arginine.
Molecular consequence: missense variant.
Genome position (GRCh38, 1-based): chr18:58,351,028, C>G. VCF-style: chr18-58351028-C-G. GRCh37 (hg19) VCF-style: chr18-56018260-C-G.
Other names: c.1328C>G, p.Thr443Arg (NM_001144964.1, NM_001144965.2, NM_001144966.3); c.1667C>G, p.Thr556Arg (NM_001144968.2); c.1607C>G, p.Thr536Arg (NM_001144969.2); c.1268C>G, p.Thr423Arg (NM_001144970.3, NM_001144971.2); c.1499C>G, p.Thr500Arg (NM_001243960.2); c.1631C>G, p.Thr544Arg (NM_015277.6); short protein forms T564R, T423R, T544R, T556R, T443R, T500R, T536R.
Identifiers: ClinVar variation 2089059 (VCV002089059.4), dbSNP rs769198983, ClinGen allele CA402540981.
Genomic context (GRCh38, chr18:58,351,028, plus strand): 5'-TCCCTTCCTTCCCCGGATACTAGCCTGGCTGGGAAGAAAGAATTCACTTGGATGGCCGAA[C>G]GTTTTATATTGATCATAGTAAGTAGGCGCTGTTATGGACACACAGGTGTTGTGGGTTAGA-3'
Protein context (NP_001138439.1, residues 554-574): WEERIHLDGR[Thr564Arg]FYIDHNSKIT

ClinVar aggregate classification (germline): Uncertain significance (1 of 4 stars; one submission).

Submission:

Labcorp Genetics (formerly Invitae), Labcorp
Classification: Uncertain significance. Last evaluated: 2022-01-22. Review status: criteria provided, single submitter. Criteria: Invitae Variant Classification Sherloc (09022015). Collection method: clinical testing. Allele origin: germline.
Comment: In summary, the available evidence is currently insufficient to determine the role of this variant in disease. Therefore, it has been classified as a Variant of Uncertain Significance. Algorithms developed to predict the effect of sequence changes on RNA splicing suggest that this variant may create or strengthen a splice site. Algorithms developed to predict the effect of missense changes on protein structure and function are either unavailable or do not agree on the potential impact of this missense change (SIFT: "Deleterious"; PolyPhen-2: "Benign"; Align-GVGD: "Class C0"). This variant has not been reported in the literature in individuals affected with NEDD4L-related conditions. This variant is not present in population databases (gnomAD no frequency). This sequence change replaces threonine, which is neutral and polar, with arginine, which is basic and polar, at codon 544 of the NEDD4L protein (p.Thr544Arg).